The following is an entry in ClinVar:

ClinVar aggregate classification (germline): Uncertain significance (1 of 4 stars; one submission).

gnomAD v4.1: 12 of 1,614,056 alleles (0.00074%); highest among the groups gnomAD compares: African/African-American, 0.0013%; no homozygotes.

Submission:

Ambry Genetics
Classification: Uncertain significance. Last evaluated: 2026-02-23. Review status: criteria provided, single submitter. Criteria: Ambry Variant Classification Scheme 2023. Collection method: clinical testing. Allele origin: germline.
Comment: The c.4649C>T (p.P1550L) alteration is located in exon 34 (coding exon 33) of the ABCA7 gene. This alteration results from a C to T substitution at nucleotide position 4649, causing the proline (P) at amino acid position 1550 to be replaced by a leucine (L). Based on data from gnomAD, the T allele has an overall frequency of <0.001% (1/251258) total alleles studied. The highest observed frequency was 0.001% (1/113582) of European (non-Finnish) alleles. Based on insufficient or conflicting evidence, the clinical significance of this alteration remains unclear.

NM_019112.4(ABCA7):c.4649C>T (p.Pro1550Leu)

Gene: ABCA7 (ATP binding cassette subfamily A member 7; plus strand). Cytogenetic location: 19p13.3.
Variant type: single nucleotide variant.
Coding change: c.4649C>T on transcript NM_019112.4 (MANE Select); coding-DNA position 4649, C replaced by T.
Protein change: p.Pro1550Leu; replaces proline 1550 with leucine.
Molecular consequence: missense variant.
Genome position (GRCh38, 1-based): chr19:1,056,969, C>T. VCF-style: chr19-1056969-C-T. GRCh37 (hg19) VCF-style: chr19-1056968-C-T.
Other names: short protein forms P1550L.
Identifiers: ClinVar variation 4840320 (VCV004840320.1).